The following is an entry in ClinVar:

ClinVar aggregate classification (germline): Uncertain significance (0 of 4 stars; one submission).

Submission:

Leiden Open Variation Database
Classification: Uncertain significance. Last evaluated: 2018-08-25. Review status: no assertion criteria provided. Collection method: curation. Allele origin: germline. Affected: yes.
Comment: Curators: Marc Tischkowitz, Arleen D. Auerbach. Submitter to LOVD: Yukihide Momozawa.

Literature cited by the submitters: PubMed 30287823.

NM_024675.4(PALB2):c.2373G>A (p.Val791=)

Gene: PALB2 (partner and localizer of BRCA2; minus strand). Cytogenetic location: 16p12.2.
Variant type: single nucleotide variant.
Coding change: c.2373G>A on transcript NM_024675.4 (MANE Select); coding-DNA position 2373, G replaced by A.
Protein change: p.Val791=; no amino-acid change (valine 791 retained).
Molecular consequence: synonymous variant.
Genome position (GRCh38, 1-based): chr16:23,629,781, C>T on the plus strand (G>A on the coding strand, the complement: PALB2 is on the minus strand). VCF-style: chr16-23629781-C-T. GRCh37 (hg19) VCF-style: chr16-23641102-C-T.
Identifiers: ClinVar variation 830165 (VCV000830165.1), dbSNP rs1966856950, ClinGen allele CA494460947.